The following is an entry in ClinVar:

ClinVar aggregate classification (germline): Likely pathogenic (1 of 4 stars; one submission).

Conditions:
PMM2-congenital disorder of glycosylation. Also called: PMM2-CDG; CDG Ia; JAEKEN SYNDROME; PHOSPHOMANNOMUTASE 2 DEFICIENCY; CARBOHYDRATE-DEFICIENT GLYCOPROTEIN SYNDROME, TYPE Ia; Congenital disorder of glycosylation, type Ia. Identifiers: Orphanet 79318, MedGen C0349653, MONDO:0008907, OMIM 212065.

Submission:

Labcorp Genetics (formerly Invitae), Labcorp
Classification: Likely pathogenic for PMM2-congenital disorder of glycosylation. Last evaluated: 2023-02-28. Review status: criteria provided, single submitter. Criteria: Invitae Variant Classification Sherloc (09022015). Collection method: clinical testing. Allele origin: germline.
Comment: This sequence change replaces valine, which is neutral and non-polar, with alanine, which is neutral and non-polar, at codon 129 of the PMM2 protein (p.Val129Ala). This variant is not present in population databases (gnomAD no frequency). This variant has not been reported in the literature in individuals affected with PMM2-related conditions. Advanced modeling of protein sequence and biophysical properties (such as structural, functional, and spatial information, amino acid conservation, physicochemical variation, residue mobility, and thermodynamic stability) performed at Invitae indicates that this missense variant is expected to disrupt PMM2 protein function. This variant disrupts the p.Val129 amino acid residue in PMM2. Other variant(s) that disrupt this residue have been determined to be pathogenic (PMID: 9140401, 18629883, 18948042). This suggests that this residue is clinically significant, and that variants that disrupt this residue are likely to be disease-causing. In summary, the currently available evidence indicates that the variant is pathogenic, but additional data are needed to prove that conclusively. Therefore, this variant has been classified as Likely Pathogenic.

Literature cited by the submitters: PubMed 9140401; PubMed 18629883; PubMed 18948042.

NM_000303.3(PMM2):c.386T>C (p.Val129Ala)

Gene: PMM2 (phosphomannomutase 2; plus strand). Cytogenetic location: 16p13.2.
Variant type: single nucleotide variant.
Coding change: c.386T>C on transcript NM_000303.3 (MANE Select); coding-DNA position 386, T replaced by C.
Protein change: p.Val129Ala; replaces valine 129 with alanine.
Molecular consequence: missense variant.
Genome position (GRCh38, 1-based): chr16:8,811,117, T>C. VCF-style: chr16-8811117-T-C. GRCh37 (hg19) VCF-style: chr16-8904974-T-C.
Other names: short protein forms V129A.
Identifiers: ClinVar variation 2841506 (VCV002841506.3), dbSNP rs2549146973, ClinGen allele CA394696575.